The following is an entry in ClinVar:

NM_004369.4(COL6A3):c.1867C>T (p.Pro623Ser)

Gene: COL6A3 (collagen type VI alpha 3 chain; minus strand). Cytogenetic location: 2q37.3.
Variant type: single nucleotide variant.
Coding change: c.1867C>T on transcript NM_004369.4 (MANE Select); coding-DNA position 1867, C replaced by T.
Protein change: p.Pro623Ser; replaces proline 623 with serine.
Molecular consequence: missense variant.
Genome position (GRCh38, 1-based): chr2:237,380,945, G>A on the plus strand (C>T on the coding strand, the complement: COL6A3 is on the minus strand). VCF-style: chr2-237380945-G-A. GRCh37 (hg19) VCF-style: chr2-238289588-G-A.
Other names: c.646C>T, p.Pro216Ser (NM_057164.5, NM_057166.5); c.1249C>T, p.Pro417Ser (NM_057165.5, NM_057167.4); short protein forms P623S, P216S, P417S.
Identifiers: ClinVar variation 373274 (VCV000373274.26), dbSNP rs372022185, ClinGen allele CA2189537.

ClinVar aggregate classification (germline): Conflicting classifications of pathogenicity. Review status: criteria provided, conflicting classifications (1 of 4 stars). 5 submissions from 5 submitters: Uncertain significance (4); Likely benign (1). Last evaluated 2026-02-01.

Conditions:
Bethlem myopathy 1A. Also called: MYOPATHY, BENIGN CONGENITAL, WITH CONTRACTURES; Bethlem myopathy 1; Bethlem Muscular Dystrophy. Identifiers: Orphanet 610, MedGen CN029274, MONDO:0024530, OMIM 158810.

Allele frequency attached by ClinVar (database versions not stated): ESP Exome Variant Server 0.00008; ExAC 0.00013; gnomAD exomes 0.00014 and 0.00030; TOPMed 0.00014; gnomAD 0.00015 and 0.00016.
gnomAD v4.1: 465 of 1,613,982 alleles (0.029%); highest among the groups gnomAD compares: Non-Finnish European, 0.037%; no homozygotes.

Submissions (5):

CeGaT Center for Human Genetics Tuebingen
Classification: Uncertain significance. Last evaluated: 2026-02-01. Review status: criteria provided, single submitter. Criteria: CeGaT Center For Human Genetics Tuebingen Variant Classification Criteria Version 2. Collection method: clinical testing. Allele origin: germline. Affected: yes. Observed: 2 variant alleles.
Comment: COL6A3: PM2

Labcorp Genetics (formerly Invitae), Labcorp
Classification: Likely benign for Bethlem myopathy 1A. Last evaluated: 2025-12-11. Review status: criteria provided, single submitter. Criteria: Invitae Variant Classification Sherloc (09022015). Collection method: clinical testing. Allele origin: germline.

Revvity Omics, Revvity
Classification: Uncertain significance. Last evaluated: 2023-11-22. Review status: criteria provided, single submitter. Criteria: ACMG Guidelines, 2015. Collection method: clinical testing. Allele origin: germline.

Eurofins Ntd Llc (ga)
Classification: Uncertain significance. Last evaluated: 2017-12-12. Review status: criteria provided, single submitter. Criteria: EGL Classification Definitions 2015. Collection method: clinical testing. Allele origin: germline. Observed: 2 variant alleles, 2 heterozygotes.

GeneDx
Classification: Uncertain significance. Last evaluated: 2016-11-16. Review status: criteria provided, single submitter. Criteria: GeneDx Variant Classification (06012015). Collection method: clinical testing. Allele origin: germline. Affected: yes.
Comment: The P623S variant has not been published as a pathogenic variant, nor has it been reported as a benign variant to our knowledge. It was not observed with any significant frequency in approximately 6,500 individuals of European and African American ancestry in the NHLBI Exome Sequencing Project. The P623S variant is a non-conservative amino acid substitution, which is likely to impact secondary protein structure as these residues differ in polarity, charge, size and/or other properties. This substitution occurs at a position that is conserved in mammals; however, missense variants in nearby residues have not been reported in the Human Gene Mutation Database in association with COL6A3-related disorders (Stenson et al., 2014). In silico analysis is inconsistent in its predictions as to whether or not the variant is damaging to the protein structure/function.